The following is an entry in ClinVar:

ClinVar aggregate classification (germline): Uncertain significance (1 of 4 stars; one submission).

Conditions:
SPEN-related disorder. Also called: SPEN-related condition.

Allele frequency attached by ClinVar (database versions not stated): TOPMed below 0.00001.
gnomAD v4.1: 1 of 1,613,024 alleles (0.000062%); highest among the groups gnomAD compares: Non-Finnish European, 0.000085%; no homozygotes.

Submission:

PreventionGenetics, part of Exact Sciences
Classification: Uncertain significance for SPEN-related condition. Last evaluated: 2023-06-02. Review status: criteria provided, single submitter. Criteria: ACMG Guidelines, 2015. Collection method: clinical testing. Allele origin: germline.
Comment: The SPEN c.9655G>A variant is predicted to result in the amino acid substitution p.Val3219Met. To our knowledge, this variant has not been reported in the literature or in a large population database, indicating this variant is rare. At this time, the clinical significance of this variant is uncertain due to the absence of conclusive functional and genetic evidence.

NM_015001.3(SPEN):c.9655G>A (p.Val3219Met)

Gene: SPEN (spen family transcriptional repressor; plus strand). Cytogenetic location: 1p36.13.
Variant type: single nucleotide variant.
Coding change: c.9655G>A on transcript NM_015001.3 (MANE Select); coding-DNA position 9655, G replaced by A.
Protein change: p.Val3219Met; replaces valine 3219 with methionine.
Molecular consequence: missense variant.
Genome position (GRCh38, 1-based): chr1:15,935,895, G>A. VCF-style: chr1-15935895-G-A. GRCh37 (hg19) VCF-style: chr1-16262390-G-A.
Other names: short protein forms V3219M.
Identifiers: ClinVar variation 2632685 (VCV002632685.1), dbSNP rs1238606220, ClinGen allele CA338658524.
Genomic context (GRCh38, chr1:15,935,895, plus strand): 5'-GTGCATCCACATGTGACGGCAGTCAGCGAGCAGCCCAGGGCCGCGGATGGGGTGGTGAAG[G>A]TGCCACCAGCCAGCAAGGCCCCTCAGCAGCCAGGGAAGGAAGCTGCCAAGACACCAGATG-3'
Protein context (NP_055816.2, residues 3209-3229): QPRAADGVVK[Val3219Met]PPASKAPQQP